The following is an entry in ClinVar:

NM_000059.4(BRCA2):c.4597A>C (p.Lys1533Gln)

Gene: BRCA2 (BRCA2 DNA repair associated; plus strand). Cytogenetic location: 13q13.1.
Variant type: single nucleotide variant.
Coding change: c.4597A>C on transcript NM_000059.4 (MANE Select); coding-DNA position 4597, A replaced by C.
Protein change: p.Lys1533Gln; replaces lysine 1533 with glutamine.
Molecular consequence: missense variant.
Genome position (GRCh38, 1-based): chr13:32,338,952, A>C. VCF-style: chr13-32338952-A-C. GRCh37 (hg19) VCF-style: chr13-32913089-A-C.
Other names: short protein forms K1533Q.
Identifiers: ClinVar variation 825026 (VCV000825026.6), dbSNP rs1060502418, ClinGen allele CA387781957.

ClinVar aggregate classification (germline): Conflicting classifications of pathogenicity. Review status: criteria provided, conflicting classifications (1 of 4 stars). 2 submissions from 2 submitters: Uncertain significance (1); Likely benign (1). Last evaluated 2023-03-23.

Conditions:
Hereditary cancer-predisposing syndrome. Also called: Neoplastic Syndromes, Hereditary; Tumor predisposition; Hereditary neoplastic syndrome; Hereditary Cancer Syndrome. Identifiers: Orphanet 140162, MedGen C0027672, MeSH D009386, MONDO:0015356.

Submissions (2):

University of Washington Department of Laboratory Medicine, University of Washington
Classification: Likely benign for Hereditary cancer-predisposing syndrome. Last evaluated: 2023-03-23. Review status: criteria provided, single submitter. Criteria: Dines et al. (Genet Med. 2020). Collection method: curation. Allele origin: germline.
Comment: Missense variant in a coldspot region where missense variants are very unlikely to be pathogenic (PMID:31911673).

BRCA2 exon 11 coldspot. Reclassification based on statistical prior probability.

Ambry Genetics
Classification: Uncertain significance for Hereditary cancer-predisposing syndrome. Last evaluated: 2018-09-14. Review status: criteria provided, single submitter. Criteria: Ambry Variant Classification Scheme 2023. Collection method: clinical testing. Allele origin: germline.
Comment: The p.K1533Q variant (also known as c.4597A>C), located in coding exon 10 of the BRCA2 gene, results from an A to C substitution at nucleotide position 4597. The lysine at codon 1533 is replaced by glutamine, an amino acid with similar properties. This amino acid position is not well conserved in available vertebrate species. In addition, this alteration is predicted to be tolerated by in silico analysis. Since supporting evidence is limited at this time, the clinical significance of this alteration remains unclear.